The following is an entry in ClinVar:

ClinVar aggregate classification (germline): Uncertain significance. Review status: criteria provided, single submitter (1 of 4 stars). 2 submissions from 2 submitters: Uncertain significance (1). 1 of the submissions does not count toward it. Last evaluated 2021-12-07.

Allele frequency attached by ClinVar (database versions not stated): gnomAD 0.00001; TOPMed 0.00001.
gnomAD v4.1: 75 of 1,614,092 alleles (0.0046%); highest among the groups gnomAD compares: South Asian, 0.037%; 2 homozygotes.

Submissions (2):

Labcorp Genetics (formerly Invitae), Labcorp
Classification: Uncertain significance. Last evaluated: 2021-12-07. Review status: criteria provided, single submitter. Criteria: Invitae Variant Classification Sherloc (09022015). Collection method: clinical testing. Allele origin: germline.
Comment: Algorithms developed to predict the effect of missense changes on protein structure and function are either unavailable or do not agree on the potential impact of this missense change (SIFT: "Deleterious"; PolyPhen-2: "Probably Damaging"; Align-GVGD: "Class C0"). This sequence change replaces valine, which is neutral and non-polar, with methionine, which is neutral and non-polar, at codon 287 of the SIX2 protein (p.Val287Met). This variant is present in population databases (rs773807534, gnomAD 0.06%), and has an allele count higher than expected for a pathogenic variant. This missense change has been observed in individual(s) with congenital anomalies of the kidney and urinary tract (PMID: 24429398). ClinVar contains an entry for this variant (Variation ID: 633690). In summary, the available evidence is currently insufficient to determine the role of this variant in disease. Therefore, it has been classified as a Variant of Uncertain Significance.

Gharavi Laboratory, Columbia University
Classification: Uncertain significance. Last evaluated: 2018-09-16. Review status: no assertion criteria provided. Criteria: ACMG Guidelines, 2015. Collection method: research. Allele origin: germline. Affected: no. Not counted in ClinVar's aggregate classification.

Literature cited by the submitters: PubMed 24429398 (cited by Labcorp Genetics (formerly Invitae), Labcorp).

NM_016932.5(SIX2):c.859G>A (p.Val287Met)

Gene: SIX2 (SIX homeobox 2; minus strand). Cytogenetic location: 2p21.
Variant type: single nucleotide variant.
Coding change: c.859G>A on transcript NM_016932.5 (MANE Select); coding-DNA position 859, G replaced by A.
Protein change: p.Val287Met; replaces valine 287 with methionine.
Molecular consequence: missense variant.
Genome position (GRCh38, 1-based): chr2:45,006,187, C>T on the plus strand (G>A on the coding strand, the complement: SIX2 is on the minus strand). VCF-style: chr2-45006187-C-T. GRCh37 (hg19) VCF-style: chr2-45233326-C-T.
Other names: short protein forms V287M.
Identifiers: ClinVar variation 633690 (VCV000633690.5), dbSNP rs773807534, ClinGen allele CA1642444.